The following is an entry in ClinVar:

ClinVar aggregate classification (germline): Uncertain significance (1 of 4 stars; one submission).

Allele frequency attached by ClinVar (database versions not stated): TOPMed below 0.00001.

Submission:

Labcorp Genetics (formerly Invitae), Labcorp
Classification: Uncertain significance. Last evaluated: 2023-02-28. Review status: criteria provided, single submitter. Criteria: Invitae Variant Classification Sherloc (09022015). Collection method: clinical testing. Allele origin: germline.
Comment: This variant has not been reported in the literature in individuals affected with BCAT2-related conditions. An algorithm developed to predict the effect of missense changes on protein structure and function (PolyPhen-2) suggests that this variant is likely to be tolerated. In summary, the available evidence is currently insufficient to determine the role of this variant in disease. Therefore, it has been classified as a Variant of Uncertain Significance. This variant is not present in population databases (gnomAD no frequency). This sequence change replaces phenylalanine, which is neutral and non-polar, with tyrosine, which is neutral and polar, at codon 390 of the BCAT2 protein (p.Phe390Tyr).

NM_001190.4(BCAT2):c.1169T>A (p.Phe390Tyr)

Genes: BCAT2 (branched chain amino acid transaminase 2; minus strand), LOC130064882 (ATAC-STARR-seq lymphoblastoid active region 14907; plus strand). Cytogenetic location: 19q13.33.
Variant type: single nucleotide variant.
Coding change: c.1169T>A on transcript NM_001190.4 (MANE Select); coding-DNA position 1169, T replaced by A.
Protein change: p.Phe390Tyr; replaces phenylalanine 390 with tyrosine.
Molecular consequence: missense variant.
Genome position (GRCh38, 1-based): chr19:48,795,436, A>T on the plus strand (T>A on the coding strand, the complement: BCAT2 is on the minus strand). VCF-style: chr19-48795436-A-T. GRCh37 (hg19) VCF-style: chr19-49298693-A-T.
Other names: c.893T>A, p.Phe298Tyr (NM_001164773.2); c.1049T>A, p.Phe350Tyr (NM_001284325.2); short protein forms F298Y, F350Y, F390Y.
Identifiers: ClinVar variation 2802005 (VCV002802005.3), dbSNP rs2034482105, ClinGen allele CA406717412.